The following is an entry in ClinVar:

NM_001394062.1(MACF1):c.19412A>G (p.Glu6471Gly)

Gene: MACF1 (microtubule actin crosslinking factor 1; plus strand). Cytogenetic location: 1p34.3.
Variant type: single nucleotide variant.
Coding change: c.19412A>G on transcript NM_001394062.1 (MANE Select); coding-DNA position 19412, A replaced by G.
Protein change: p.Glu6471Gly; replaces glutamic acid 6471 with glycine.
Molecular consequence: missense variant.
Genome position (GRCh38, 1-based): chr1:39,443,555, A>G. VCF-style: chr1-39443555-A-G. GRCh37 (hg19) VCF-style: chr1-39909227-A-G.
Other names: c.7490A>G, p.Glu2497Gly (NM_001397473.1); c.13235A>G, p.Glu4412Gly (NM_012090.5); short protein forms E2497G, E4412G, E6471G.
Identifiers: ClinVar variation 3069069 (VCV003069069.2), dbSNP rs759381260, ClinGen allele CA784108.

ClinVar aggregate classification (germline): Uncertain significance (1 of 4 stars; one submission).

Allele frequency attached by ClinVar (database versions not stated): gnomAD exomes below 0.00001; ExAC 0.00001.
gnomAD v4.1: 2 of 1,612,456 alleles (0.00012%); highest among the groups gnomAD compares: Admixed American, 0.0017%; no homozygotes.

Submission:

Women's Health and Genetics/Laboratory Corporation of America, LabCorp
Classification: Uncertain significance. Last evaluated: 2024-02-27. Review status: criteria provided, single submitter. Criteria: LabCorp Variant Classification Summary - May 2015. Collection method: clinical testing. Allele origin: germline.
Comment: Variant summary: MACF1 c.13235A>G (p.Glu4412Gly) results in a non-conservative amino acid change in the encoded protein sequence. Four of five in-silico tools predict a damaging effect of the variant on protein function. The variant allele was found at a frequency of 3.2e-06 in 622858 control chromosomes (gnomAD v4.0). The available data on variant occurrences in the general population are insufficient to allow any conclusion about variant significance. To our knowledge, no occurrence of c.13235A>G in individuals affected with Lissencephaly 9 With Complex Brainstem Malformation and no experimental evidence demonstrating its impact on protein function have been reported. No submitters have cited clinical-significance assessments for this variant to ClinVar. Based on the evidence outlined above, the variant was classified as uncertain significance.